The following is an entry in ClinVar:

ClinVar aggregate classification (germline): Uncertain significance (1 of 4 stars; one submission).

Conditions:
Cardiovascular phenotype. Identifiers: MedGen CN230736.

Submission:

Ambry Genetics
Classification: Uncertain significance for Cardiovascular phenotype. Last evaluated: 2020-12-02. Review status: criteria provided, single submitter. Criteria: Ambry Variant Classification Scheme 2023. Collection method: clinical testing. Allele origin: germline.
Comment: The p.G207A variant (also known as c.620G>C), located in coding exon 4 of the BGN gene, results from a G to C substitution at nucleotide position 620. The glycine at codon 207 is replaced by alanine, an amino acid with similar properties. This amino acid position is well conserved in available vertebrate species; however, alanine is the reference amino acid in other vertebrate species. In addition, the in silico prediction for this alteration is inconclusive. Since supporting evidence is limited at this time, the clinical significance of this alteration remains unclear.

NM_001711.6(BGN):c.620G>C (p.Gly207Ala)

Gene: BGN (biglycan; plus strand). Cytogenetic location: Xq28.
Variant type: single nucleotide variant.
Coding change: c.620G>C on transcript NM_001711.6 (MANE Select); coding-DNA position 620, G replaced by C.
Protein change: p.Gly207Ala; replaces glycine 207 with alanine.
Molecular consequence: missense variant.
Genome position (GRCh38, 1-based): chrX:153,506,583, G>C. VCF-style: chrX-153506583-G-C. GRCh37 (hg19) VCF-style: chrX-152772041-G-C.
Other names: short protein forms G207A.
Identifiers: ClinVar variation 1752210 (VCV001752210.2), dbSNP rs2521217623, ClinGen allele CA415070647.